The following is an entry in ClinVar:

NM_053025.4(MYLK):c.248G>T (p.Cys83Phe)

Gene: MYLK (myosin light chain kinase; minus strand). Cytogenetic location: 3q21.1.
Variant type: single nucleotide variant.
Coding change: c.248G>T on transcript NM_053025.4 (MANE Select); coding-DNA position 248, G replaced by T.
Protein change: p.Cys83Phe; replaces cysteine 83 with phenylalanine.
Molecular consequence: missense variant. On other transcripts: intron variant (1).
Genome position (GRCh38, 1-based): chr3:123,752,456, C>A on the plus strand (G>T on the coding strand, the complement: MYLK is on the minus strand). VCF-style: chr3-123752456-C-A. GRCh37 (hg19) VCF-style: chr3-123471303-C-A.
Other names: c.248G>T, p.Cys83Phe (NM_053026.4, NM_053027.4, NM_053028.4); c.-155-12455G>T (NM_001321309.2); short protein forms C83F.
Identifiers: ClinVar variation 1329603 (VCV001329603.3), dbSNP rs2108881147, ClinGen allele CA354244734.

ClinVar aggregate classification (germline): Uncertain significance (1 of 4 stars; one submission).

Submission:

GeneDx
Classification: Uncertain significance. Last evaluated: 2022-04-11. Review status: criteria provided, single submitter. Criteria: GeneDx Variant Classification Process June 2021. Collection method: clinical testing. Allele origin: germline. Affected: yes.
Comment: Has not been previously published as pathogenic or benign to our knowledge; Not observed at significant frequency in large population cohorts (gnomAD); In silico analysis supports that this missense variant does not alter protein structure/function